The following is an entry in ClinVar:

NM_001042492.3(NF1):c.2353del (p.Glu785fs)

Gene: NF1 (neurofibromin 1; plus strand). Cytogenetic location: 17q11.2.
Variant type: Deletion.
Coding change: c.2353del on transcript NM_001042492.3 (MANE Select); coding-DNA position 2353, one base deleted (G; older notation c.2353delG).
Protein change: p.Glu785fs; shifts the reading frame from glutamic acid 785.
Molecular consequence: frameshift variant.
Genome position (GRCh38, 1-based): chr17:31,227,550, G deleted; the last of 3 consecutive G bases (chr17:31,227,548-31,227,550); deleting any one gives the same sequence. VCF-style (leftmost placement, unchanged base first): chr17-31227547-TG-T. GRCh37 (hg19) VCF-style: chr17-29554565-TG-T.
Other names: c.2353delG, p.Glu785Asnfs (NM_000267.4); short protein forms E785fs.
Identifiers: ClinVar variation 2137968 (VCV002137968.4), dbSNP rs2067038120, ClinGen allele CA2580093211.

ClinVar aggregate classification (germline): Pathogenic (1 of 4 stars; one submission).

Conditions:
Neurofibromatosis, type 1 (NF1). Also called: Peripheral type neurofibromatosis; VON RECKLINGHAUSEN DISEASE; NEUROFIBROMATOSIS, TYPE I, SOMATIC; Neurofibromatosis, type I. Identifiers: Orphanet 636, MedGen C0027831, MONDO:0018975, OMIM 162200. Disease mechanism: loss of function.

Submission:

Labcorp Genetics (formerly Invitae), Labcorp
Classification: Pathogenic for Neurofibromatosis, type 1. Last evaluated: 2023-02-11. Review status: criteria provided, single submitter. Criteria: Invitae Variant Classification Sherloc (09022015). Collection method: clinical testing. Allele origin: germline.
Comment: For these reasons, this variant has been classified as Pathogenic. This variant has not been reported in the literature in individuals affected with NF1-related conditions. This variant is not present in population databases (gnomAD no frequency). This sequence change creates a premature translational stop signal (p.Glu785Asnfs*6) in the NF1 gene. It is expected to result in an absent or disrupted protein product. Loss-of-function variants in NF1 are known to be pathogenic (PMID: 10712197, 23913538).

Literature cited by the submitters: PubMed 10712197; PubMed 23913538.